The following is an entry in ClinVar:

NM_000368.5(TSC1):c.1997+3A>C

Gene: TSC1 (TSC complex subunit 1; minus strand). Cytogenetic location: 9q34.13.
Variant type: single nucleotide variant.
Coding change: c.1997+3A>C on transcript NM_000368.5 (MANE Select); 3 bases into the intron after coding-DNA position 1997, A replaced by C.
Molecular consequence: intron variant.
Genome position (GRCh38, 1-based): chr9:132,905,578, T>G on the plus strand (A>C on the coding strand, the complement: TSC1 is on the minus strand). VCF-style: chr9-132905578-T-G. GRCh37 (hg19) VCF-style: chr9-135780965-T-G.
Other names: c.1997+3A>C (NM_000368.4, NM_001406602.1, NM_001406606.1 and 8 more transcripts); c.1631+3A>C (NM_001406620.1, NM_001406625.1, NM_001406621.1 and 2 more transcripts); c.1634+3A>C (NM_001406618.1, NM_001406617.1, NM_001406619.1 and 5 more transcripts); c.1841+3A>C (NM_001406613.1, NM_001406612.1, NM_001406611.1); c.1844+3A>C (NM_001406610.1, NM_001162427.2); c.1043+3A>C (NM_001406627.1, NM_001406628.1); c.944+3A>C (NM_001406629.1, NM_001406630.1); c.1994+3A>C (NM_001406603.1, NM_001406609.1, NM_001406597.1 and 6 more transcripts); and 1 more.
Identifiers: ClinVar variation 2853068 (VCV002853068.4), dbSNP rs1554815682, ClinGen allele CA2739264833.

ClinVar aggregate classification (germline): Uncertain significance. Review status: criteria provided, multiple submitters, no conflicts (2 of 4 stars). 2 submissions from 2 submitters: Uncertain significance (2). Last evaluated 2024-09-24.

Conditions:
Hereditary cancer-predisposing syndrome. Also called: Hereditary Cancer Syndrome; Hereditary neoplastic syndrome; Neoplastic Syndromes, Hereditary; Tumor predisposition. Identifiers: Orphanet 140162, MedGen C0027672, MeSH D009386, MONDO:0015356.
Tuberous sclerosis 1 (TSC1). Identifiers: Orphanet 805, MedGen C1854465, MONDO:0008612, OMIM 191100.

Submissions (2):

Ambry Genetics
Classification: Uncertain significance for Hereditary cancer-predisposing syndrome. Last evaluated: 2024-09-24. Review status: criteria provided, single submitter. Criteria: Ambry Variant Classification Scheme 2023. Collection method: clinical testing. Allele origin: germline.
Comment: The c.1997+3A>C intronic variant results from an A to C substitution 3 nucleotides after coding exon 13 in the TSC1 gene. This nucleotide position is not well conserved in available vertebrate species. In silico splice site analysis predicts that this alteration may weaken the native splice donor site. RNA studies have demonstrated that this alteration results in a splice defect; the clinical impact of this abnormal splicing is unknown at this time (Ambry internal data). Based on the available evidence, the clinical significance of this variant remains unclear.

Labcorp Genetics (formerly Invitae), Labcorp
Classification: Uncertain significance for Tuberous sclerosis 1. Last evaluated: 2023-04-07. Review status: criteria provided, single submitter. Criteria: Invitae Variant Classification Sherloc (09022015). Collection method: clinical testing. Allele origin: germline.
Comment: Variants that disrupt the consensus splice site are a relatively common cause of aberrant splicing (PMID: 17576681, 9536098). Algorithms developed to predict the effect of sequence changes on RNA splicing suggest that this variant may disrupt the consensus splice site. This sequence change falls in intron 15 of the TSC1 gene. It does not directly change the encoded amino acid sequence of the TSC1 protein. It affects a nucleotide within the consensus splice site. This variant is not present in population databases (gnomAD no frequency). This variant has not been reported in the literature in individuals affected with TSC1-related conditions. In summary, the available evidence is currently insufficient to determine the role of this variant in disease. Therefore, it has been classified as a Variant of Uncertain Significance.

Literature cited by the submitters: PubMed 17576681 (cited by Labcorp Genetics (formerly Invitae), Labcorp); PubMed 9536098 (cited by Labcorp Genetics (formerly Invitae), Labcorp).